The following is an entry in ClinVar:

NM_017934.7(PHIP):c.439+9_439+12del

Gene: PHIP (PHIP subunit of CUL4-Ring ligase complex; minus strand). Cytogenetic location: 6q14.1.
Variant type: Deletion.
Coding change: c.439+9_439+12del on transcript NM_017934.7 (MANE Select); bases 9 to 12 of the intron after coding-DNA position 439, 4 bases deleted (TTTG; older notation c.439+9_439+12delTTTG).
Molecular consequence: intron variant.
Genome position (GRCh38, 1-based): chr6:79,060,466-79,060,469, CAAA deleted on the plus strand (TTTG on the coding strand, the reverse complement: PHIP is on the minus strand); deleting any 4 consecutive bases within chr6:79,060,466-79,060,472 gives the same sequence; the c. name uses the placement nearest the transcript's 3' end. VCF-style (leftmost placement, unchanged base first): chr6-79060465-TCAAA-T. GRCh37 (hg19) VCF-style: chr6-79770182-TCAAA-T.
Other names: c.439+9_439+12delTTTG (NM_017934.7).
Identifiers: ClinVar variation 3895803 (VCV003895803.1).
Genomic context (GRCh38, chr6:79,060,465, plus strand): 5'-CTAAAAAACCTTTTCATTTTCAAAAGCTCTTTACCAAGAGGCTATTAACTACTAGTGAAC[TCAAA>T]CAACTCACCAATGCTGGGTGGGCTACCATAGTTAACTGGTGACTCAGGTGGTCTTCCACA-3'

ClinVar aggregate classification (germline): Likely benign (1 of 4 stars; one submission).

Submission:

Women's Health and Genetics/Laboratory Corporation of America, LabCorp
Classification: Likely benign. Last evaluated: 2025-03-06. Review status: criteria provided, single submitter. Criteria: LabCorp Variant Classification Summary - May 2015. Collection method: clinical testing. Allele origin: germline.
Comment: Variant summary: PHIP c.439+9_439+12delTTTG alters a nucleotide located at a position not widely known to affect splicing. Consensus agreement among computation tools predict no significant impact on normal splicing. However, these predictions have yet to be confirmed by functional studies. The variant allele was found at a frequency of 1.6e-05 in 242520 control chromosomes (gnomAD). The available data on variant occurrences in the general population are insufficient to allow any conclusion about variant significance. To our knowledge, no occurrence of c.439+9_439+12delTTTG in individuals affected with Developmental Delay, Intellectual Disability, Obesity, And Dysmorphic Features and no experimental evidence demonstrating its impact on protein function have been reported. No submitters have cited clinical-significance assessments for this variant to ClinVar. Based on the evidence outlined above, the variant was classified as likely benign.